The following is an entry in ClinVar:

ClinVar aggregate classification (germline): Uncertain significance. Review status: criteria provided, multiple submitters, no conflicts (2 of 4 stars). 2 submissions from 2 submitters: Uncertain significance (2). Last evaluated 2026-07-06.

Conditions:
Hereditary cancer-predisposing syndrome. Also called: Tumor predisposition; Hereditary Cancer Syndrome; Hereditary neoplastic syndrome; Neoplastic Syndromes, Hereditary. Identifiers: Orphanet 140162, MedGen C0027672, MeSH D009386, MONDO:0015356.

Submissions (2):

Ambry Genetics
Classification: Uncertain significance for Hereditary cancer-predisposing syndrome. Last evaluated: 2026-07-06. Review status: criteria provided, single submitter. Criteria: Ambry Variant Classification Scheme 2023. Collection method: clinical testing. Allele origin: germline.
Comment: The p.I941S variant (also known as c.2822T>G), located in coding exon 8 of the PALB2 gene, results from a T to G substitution at nucleotide position 2822. The isoleucine at codon 941 is replaced by serine, an amino acid with dissimilar properties. This amino acid position is conserved. In addition, the in silico prediction for this alteration is inconclusive. Based on the available evidence, the clinical significance of this variant remains unclear.

GeneDx
Classification: Uncertain significance. Last evaluated: 2023-07-18. Review status: criteria provided, single submitter. Criteria: GeneDx Variant Classification Process June 2021. Collection method: clinical testing. Allele origin: germline. Affected: yes.
Comment: Not observed at significant frequency in large population cohorts (gnomAD); In silico analysis supports that this missense variant has a deleterious effect on protein structure/function; Has not been previously published as pathogenic or benign to our knowledge; This variant is associated with the following publications: (PMID: 24485656, 19609323, 20871615)

NM_024675.4(PALB2):c.2822T>G (p.Ile941Ser)

Gene: PALB2 (partner and localizer of BRCA2; minus strand). Cytogenetic location: 16p12.2.
Variant type: single nucleotide variant.
Coding change: c.2822T>G on transcript NM_024675.4 (MANE Select); coding-DNA position 2822, T replaced by G.
Protein change: p.Ile941Ser; replaces isoleucine 941 with serine.
Molecular consequence: missense variant.
Genome position (GRCh38, 1-based): chr16:23,624,021, A>C on the plus strand (T>G on the coding strand, the complement: PALB2 is on the minus strand). VCF-style: chr16-23624021-A-C. GRCh37 (hg19) VCF-style: chr16-23635342-A-C.
Other names: c.2762T>G, p.Ile921Ser (NM_001407296.1); c.2750T>G, p.Ile917Ser (NM_001407297.1); c.2660T>G, p.Ile887Ser (NM_001407298.1, NM_001407302.1); c.2822T>G, p.Ile941Ser (NM_001407299.1, NM_001407300.1, NM_001407301.1); c.1937T>G, p.Ile646Ser (NM_001407304.1, NM_001407305.1, NM_001407306.1 and 4 more transcripts); c.1775T>G, p.Ile592Ser (NM_001407307.1); c.1034T>G, p.Ile345Ser (NM_001407312.1, NM_001407313.1); c.356T>G, p.Ile119Ser (NM_001407314.1); short protein forms I119S, I345S, I592S, I646S, I887S, I917S, I921S, I941S.
Identifiers: ClinVar variation 3361143 (VCV003361143.2).